The following is an entry in ClinVar:

NM_203486.3(DLL3):c.617C>T (p.Pro206Leu)

Genes: DLL3 (delta like canonical Notch ligand 3; plus strand), LOC130064417 (ATAC-STARR-seq lymphoblastoid silent region 10608; plus strand). Cytogenetic location: 19q13.2.
Variant type: single nucleotide variant.
Coding change: c.617C>T on transcript NM_203486.3 (MANE Select); coding-DNA position 617, C replaced by T.
Protein change: p.Pro206Leu; replaces proline 206 with leucine.
Molecular consequence: missense variant.
Genome position (GRCh38, 1-based): chr19:39,503,022, C>T. VCF-style: chr19-39503022-C-T. GRCh37 (hg19) VCF-style: chr19-39993662-C-T.
Other names: c.617C>T, p.Pro206Leu (NM_016941.4); short protein forms P206L.
Identifiers: ClinVar variation 4537957 (VCV004537957.2).

ClinVar aggregate classification (germline): Uncertain significance. Review status: criteria provided, multiple submitters, no conflicts (2 of 4 stars). 2 submissions from 2 submitters: Uncertain significance (2). Last evaluated 2025-06-09.

gnomAD v4.1: 20 of 1,515,766 alleles (0.0013%); highest among the groups gnomAD compares: Middle Eastern, 0.023%; 1 homozygote.

Submissions (2):

GeneDx
Classification: Uncertain significance. Last evaluated: 2025-06-09. Review status: criteria provided, single submitter. Criteria: GeneDx Variant Classification Process June 2021. Collection method: clinical testing. Allele origin: germline. Affected: yes.
Comment: Not observed at significant frequency in large population cohorts (gnomAD); In silico analysis suggests that this missense variant does not alter protein structure/function; Has not been previously published as pathogenic or benign to our knowledge

Blueprint Genetics
Classification: Uncertain significance. Last evaluated: 2024-11-27. Review status: criteria provided, single submitter. Criteria: ACMG Guidelines, 2015. Collection method: clinical testing. Allele origin: germline.